The following is an entry in ClinVar:

NM_001267550.2(TTN):c.103750C>T (p.Leu34584Phe)

Genes: TTN-AS1 (TTN antisense RNA 1; plus strand), TTN (titin; minus strand). Cytogenetic location: 2q31.2.
Variant type: single nucleotide variant.
Coding change: c.103750C>T on transcript NM_001267550.2 (MANE Select); coding-DNA position 103750, C replaced by T.
Protein change: p.Leu34584Phe; replaces leucine 34584 with phenylalanine.
Molecular consequence: missense variant.
Genome position (GRCh38, 1-based): chr2:178,532,865, G>A on the plus strand (C>T on the coding strand, the complement: TTN is on the minus strand). VCF-style: chr2-178532865-G-A. GRCh37 (hg19) VCF-style: chr2-179397592-G-A.
Other names: c.98827C>T, p.Leu32943Phe (NM_001256850.1); c.76555C>T, p.Leu25519Phe (NM_003319.4); c.96046C>T, p.Leu32016Phe (NM_133378.4); c.76930C>T, p.Leu25644Phe (NM_133432.3); c.77131C>T, p.Leu25711Phe (NM_133437.4); short protein forms L34584F, L32943F, L25519F, L25644F, L25711F, L32016F.
Identifiers: ClinVar variation 574604 (VCV000574604.9), dbSNP rs1559018367, ClinGen allele CA349413583.

ClinVar aggregate classification (germline): Uncertain significance (1 of 4 stars; one submission).

Conditions:
Dilated cardiomyopathy 1G (CMD1G). Identifiers: Orphanet 154, MedGen C1858763, MONDO:0011400, OMIM 604145.
Autosomal recessive limb-girdle muscular dystrophy type 2J (LGMDR10). Also called: Limb-girdle muscular dystrophy, type 2J; MUSCULAR DYSTROPHY, LIMB-GIRDLE, AUTOSOMAL RECESSIVE 10. Identifiers: Orphanet 140922, MedGen C1837342, MONDO:0012127, OMIM 608807.

Submission:

Labcorp Genetics (formerly Invitae), Labcorp
Classification: Uncertain significance for Dilated cardiomyopathy 1G; Autosomal recessive limb-girdle muscular dystrophy type 2J. Last evaluated: 2021-03-27. Review status: criteria provided, single submitter. Criteria: Invitae Variant Classification Sherloc (09022015). Collection method: clinical testing. Allele origin: germline.
Comment: In summary, the available evidence is currently insufficient to determine the role of this variant in disease. Therefore, it has been classified as a Variant of Uncertain Significance. Algorithms developed to predict the effect of missense changes on protein structure and function are unavailable for the TTN gene. This variant is located in the M band of TTN (PMID: 25589632). Variants in this region may be relevant for neuromuscular disorders, but have not been definitively shown to cause cardiomyopathy (PMID: 23975875). This variant has not been reported in the literature in individuals with TTN-related disease. This variant is not present in population databases (ExAC no frequency). This sequence change replaces leucine with phenylalanine at codon 34584 of the TTN protein (p.Leu34584Phe). There is a small physicochemical difference between leucine and phenylalanine.

Literature cited by the submitters: PubMed 25589632; PubMed 23975875.